The following is an entry in ClinVar:

ClinVar aggregate classification (germline): Uncertain significance (1 of 4 stars; one submission).

Conditions:
KBG syndrome (KBGS). Also called: ANKRD11-Related KBG Syndrome. Identifiers: Orphanet 2332, MedGen C0220687, MONDO:0007846, OMIM 148050.

Submission:

Labcorp Genetics (formerly Invitae), Labcorp
Classification: Uncertain significance for KBG syndrome. Last evaluated: 2025-12-13. Review status: criteria provided, single submitter. Criteria: Invitae Variant Classification Sherloc (09022015). Collection method: clinical testing. Allele origin: germline.
Comment: This sequence change replaces leucine, which is neutral and non-polar, with phenylalanine, which is neutral and non-polar, at codon 284 of the ANKRD11 protein (p.Leu284Phe). This variant is not present in population databases (gnomAD no frequency). This variant has not been reported in the literature in individuals affected with ANKRD11-related conditions. Invitae Evidence Modeling of protein sequence and biophysical properties (such as structural, functional, and spatial information, amino acid conservation, physicochemical variation, residue mobility, and thermodynamic stability) has been performed for this missense variant. However, the output from this modeling did not meet the statistical confidence thresholds required to predict the impact of this variant on ANKRD11 protein function. In summary, the available evidence is currently insufficient to determine the role of this variant in disease. Therefore, it has been classified as a Variant of Uncertain Significance.

NM_013275.6(ANKRD11):c.852A>T (p.Leu284Phe)

Gene: ANKRD11 (ankyrin repeat domain 11; minus strand). Cytogenetic location: 16q24.3.
Variant type: single nucleotide variant.
Coding change: c.852A>T on transcript NM_013275.6 (MANE Select); coding-DNA position 852, A replaced by T.
Protein change: p.Leu284Phe; replaces leucine 284 with phenylalanine.
Molecular consequence: missense variant.
Genome position (GRCh38, 1-based): chr16:89,286,079, T>A on the plus strand (A>T on the coding strand, the complement: ANKRD11 is on the minus strand). VCF-style: chr16-89286079-T-A. GRCh37 (hg19) VCF-style: chr16-89352487-T-A.
Other names: c.852A>T, p.Leu284Phe (NM_001256182.2, NM_001256183.2); short protein forms L284F.
Identifiers: ClinVar variation 4763608 (VCV004763608.1).